The following is an entry in ClinVar:

ClinVar aggregate classification (germline): Uncertain significance. Review status: criteria provided, multiple submitters, no conflicts (2 of 4 stars). 2 submissions from 2 submitters: Uncertain significance (2). Last evaluated 2023-11-15.

Conditions:
Inborn genetic diseases. Identifiers: MedGen C0950123, MeSH D030342.

Allele frequency attached by ClinVar (database versions not stated): gnomAD 0.00001; TOPMed 0.00001; ExAC 0.00002; gnomAD exomes 0.00002 and 0.00004; ESP Exome Variant Server 0.00015.
gnomAD v4.1: 64 of 1,612,630 alleles (0.004%); highest among the groups gnomAD compares: Non-Finnish European, 0.0052%; no homozygotes.

Submissions (2):

Ambry Genetics
Classification: Uncertain significance for Inborn genetic diseases. Last evaluated: 2023-11-15. Review status: criteria provided, single submitter. Criteria: Ambry Variant Classification Scheme 2023. Collection method: clinical testing. Allele origin: germline.

Labcorp Genetics (formerly Invitae), Labcorp
Classification: Uncertain significance. Last evaluated: 2022-02-25. Review status: criteria provided, single submitter. Criteria: Invitae Variant Classification Sherloc (09022015). Collection method: clinical testing. Allele origin: germline.
Comment: This sequence change replaces threonine, which is neutral and polar, with isoleucine, which is neutral and non-polar, at codon 35 of the SLC25A12 protein (p.Thr35Ile). This variant is present in population databases (rs141842444, gnomAD 0.004%). This variant has not been reported in the literature in individuals affected with SLC25A12-related conditions. ClinVar contains an entry for this variant (Variation ID: 645414). Algorithms developed to predict the effect of missense changes on protein structure and function are either unavailable or do not agree on the potential impact of this missense change (SIFT: "Deleterious"; PolyPhen-2: "Possibly Damaging"; Align-GVGD: "Class C0"). In summary, the available evidence is currently insufficient to determine the role of this variant in disease. Therefore, it has been classified as a Variant of Uncertain Significance.

NM_003705.5(SLC25A12):c.104C>T (p.Thr35Ile)

Gene: SLC25A12 (solute carrier family 25 member 12; minus strand). Cytogenetic location: 2q31.1.
Variant type: single nucleotide variant.
Coding change: c.104C>T on transcript NM_003705.5 (MANE Select); coding-DNA position 104, C replaced by T.
Protein change: p.Thr35Ile; replaces threonine 35 with isoleucine.
Molecular consequence: missense variant. On other transcripts: non-coding transcript variant (1).
Genome position (GRCh38, 1-based): chr2:171,868,786, G>A on the plus strand (C>T on the coding strand, the complement: SLC25A12 is on the minus strand). VCF-style: chr2-171868786-G-A. GRCh37 (hg19) VCF-style: chr2-172725296-G-A.
Other names: c.104C>T (NM_003705.3); short protein forms T35I.
Identifiers: ClinVar variation 645414 (VCV000645414.6), dbSNP rs141842444, ClinGen allele CA1966475.
Genomic context (GRCh38, chr2:171,868,786, plus strand): 5'-TTTGGGTTACTATTTGGATCATTATACAGTCCAAGATAGCGCTGAACAAAGTCTTCTGGG[G>A]TCATATAACGCTCTCCATCAACCTCAGTACTGGCATACTAAAAAAATAAATAAATAATGC-3'
Protein context (NP_003696.2, residues 25-45): STEVDGERYM[Thr35Ile]PEDFVQRYLG